The following is an entry in ClinVar:

ClinVar aggregate classification (germline): Uncertain significance (1 of 4 stars; one submission).

Conditions:
Autosomal dominant nocturnal frontal lobe epilepsy 5. Also called: Epilepsy, nocturnal frontal lobe, 5; CILIARY DYSKINESIA, PRIMARY, 28, WITHOUT SITUS INVERSUS; CILIARY DYSKINESIA, PRIMARY, 28, WITH SITUS INVERSUS; KCNT1-Related Epilepsy. Identifiers: Orphanet 98784, MedGen C3554306, MONDO:0014002, OMIM 615005.
Developmental and epileptic encephalopathy, 14 (DEE14). Also called: Early infantile epileptic encephalopathy 14. Identifiers: Orphanet 293181, MedGen C3554195, MONDO:0013989, OMIM 614959.

Allele frequency attached by ClinVar (database versions not stated): gnomAD exomes below 0.00001; TOPMed below 0.00001; ExAC 0.00001.
gnomAD v4.1: 2 of 1,612,846 alleles (0.00012%); highest among the groups gnomAD compares: Admixed American, 0.0033%; no homozygotes.

Submission:

Labcorp Genetics (formerly Invitae), Labcorp
Classification: Uncertain significance for Autosomal dominant nocturnal frontal lobe epilepsy 5; Developmental and epileptic encephalopathy, 14. Last evaluated: 2023-01-22. Review status: criteria provided, single submitter. Criteria: Invitae Variant Classification Sherloc (09022015). Collection method: clinical testing. Allele origin: germline.
Comment: In summary, the available evidence is currently insufficient to determine the role of this variant in disease. Therefore, it has been classified as a Variant of Uncertain Significance. Advanced modeling of protein sequence and biophysical properties (such as structural, functional, and spatial information, amino acid conservation, physicochemical variation, residue mobility, and thermodynamic stability) performed at Invitae indicates that this missense variant is not expected to disrupt KCNT1 protein function. This variant has not been reported in the literature in individuals affected with KCNT1-related conditions. This variant is present in population databases (rs780164645, gnomAD 0.003%). This sequence change replaces isoleucine, which is neutral and non-polar, with methionine, which is neutral and non-polar, at codon 186 of the KCNT1 protein (p.Ile186Met).

NM_020822.3(KCNT1):c.558A>G (p.Ile186Met)

Gene: KCNT1 (potassium sodium-activated channel subfamily T member 1; plus strand). Cytogenetic location: 9q34.3.
Variant type: single nucleotide variant.
Coding change: c.558A>G on transcript NM_020822.3 (MANE Select); coding-DNA position 558, A replaced by G.
Protein change: p.Ile186Met; replaces isoleucine 186 with methionine.
Molecular consequence: missense variant.
Genome position (GRCh38, 1-based): chr9:135,756,890, A>G. VCF-style: chr9-135756890-A-G. GRCh37 (hg19) VCF-style: chr9-138648736-A-G.
Other names: c.414A>G, p.Ile138Met (NM_001272003.2); short protein forms I186M, I138M.
Identifiers: ClinVar variation 2931146 (VCV002931146.3), dbSNP rs780164645, ClinGen allele CA5326517.